The following continues an entry in ClinVar:

NM_004004.6(GJB2):c.457G>A (p.Val153Ile)

Gene: GJB2. ClinVar aggregate classification (germline): Benign/Likely benign. Benign (16); Likely benign (3).

Submissions 15 to 24 of 24:

Laboratory for Molecular Medicine, Mass General Brigham Personalized Medicine
Classification: Benign. Last evaluated: 2015-05-28. Review status: criteria provided, single submitter. Criteria: LMM Criteria. Collection method: clinical testing. Allele origin: germline. Observed: 27 variant alleles.
Comment: p.Val153Ile in exon 2 of GJB2: This variant has been reported in the literature as both a benign polymorphism (Connexins and Deafness Website and other reports) as well as a pathogenic variant (Snoeckx 2005 and other reports). Several repor ts show that this variant occurs at an equal frequency in both hearing loss prob ands and the general population (Guerci 2007, Abidi 2008, RamShankar 2003, Roux 2004, Rickard 2001). It was also identified in 5.6% (922/16488) of South Asian c hromosomes by the Exome Aggregation Consortium (ExAC .org; dbSNP rs111033186), including 31 homozygous individuals. Functional studie s have demonstrated no impact to synthesis and localization of the connexin 26 p rotein (Guerci 2007). It has also been reported in a homozygous state in 3 indiv iduals with normal hearing (Guerci 2007, RamShankar 2003) as well as identified as a compound heterozygote in a normal hearing individual with the p.Met34Thr mu tation (Malikova 2004). And finally, this variant did not segregate with hearing loss in two kindreds (Gasmelseed 2004, Malikova 2004). In summary, these data s uggest that the p.Val153Ile variant is benign.

Genetic Services Laboratory, University of Chicago
Classification: Benign. Last evaluated: 2013-02-08. Review status: criteria provided, single submitter. Criteria: ACMG Guidelines, 2007. Collection method: clinical testing. Allele origin: germline. Inheritance: Autosomal recessive inheritance.

Eurofins Ntd Llc (ga)
Classification: Benign. Last evaluated: 2012-12-18. Review status: criteria provided, single submitter. Criteria: EGL Classification Definitions 2015. Collection method: clinical testing. Allele origin: germline. Observed: 8 variant alleles, 8 heterozygotes.

Breakthrough Genomics
Classification: Likely benign. Review status: criteria provided, single submitter. Criteria: ACMG Guidelines, 2015. Collection method: not provided. Allele origin: germline. Inheritance: Autosomal recessive inheritance. Affected: yes.

PreventionGenetics, part of Exact Sciences
Classification: Benign. Review status: criteria provided, single submitter. Criteria: ACMG Guidelines, 2015. Collection method: clinical testing. Allele origin: germline.

Natera, Inc.
Classification: Benign for Autosomal recessive deafness type 1A. Last evaluated: 2019-11-14. Review status: no assertion criteria provided. Collection method: clinical testing. Allele origin: germline. Not counted in ClinVar's aggregate classification.

Clinical Genetics DNA and cytogenetics Diagnostics Lab, Erasmus MC, Erasmus Medical Center
Classification: Benign. Review status: no assertion criteria provided. Collection method: clinical testing. Allele origin: germline. Affected: yes. Study: VKGL Data-share Consensus. Not counted in ClinVar's aggregate classification.

Clinical Genetics, Academic Medical Center
Classification: Benign. Review status: no assertion criteria provided. Collection method: clinical testing. Allele origin: germline. Affected: yes. Study: VKGL Data-share Consensus. Not counted in ClinVar's aggregate classification.

Joint Genome Diagnostic Labs from Nijmegen and Maastricht, Radboudumc and MUMC+
Classification: Benign. Review status: no assertion criteria provided. Collection method: clinical testing. Allele origin: germline. Affected: yes. Study: VKGL Data-share Consensus. Not counted in ClinVar's aggregate classification.

University of Washington Center for Mendelian Genomics, University of Washington
Classification: Likely pathogenic for non-syndromic autosomal recessive hearing loss. Review status: flagged submission. Collection method: research. Allele origin: inherited. Affected: yes. Not counted in ClinVar's aggregate classification.
ClinVar note: Reason: Outlier claim with insufficient supporting evidence

Literature cited by the submitters: PubMed 11493200 (cited by 3 submitters); PubMed 30303587 (cited by Athena Diagnostics and University of Washington Center for Mendelian Genomics, University of Washington); PubMed 1511312 (cited by Athena Diagnostics and Laboratory for Molecular Medicine, Mass General Brigham Personalized Medicine); PubMed 15964725 (cited by Athena Diagnostics and Laboratory for Molecular Medicine, Mass General Brigham Personalized Medicine); PubMed 15617550 (cited by Athena Diagnostics and Laboratory for Molecular Medicine, Mass General Brigham Personalized Medicine); PubMed 11494963 (cited by Athena Diagnostics and Laboratory for Molecular Medicine, Mass General Brigham Personalized Medicine); PubMed 12172394 (cited by Athena Diagnostics and Laboratory for Molecular Medicine, Mass General Brigham Personalized Medicine); PubMed 16380907 (cited by Athena Diagnostics and Laboratory for Molecular Medicine, Mass General Brigham Personalized Medicine); PubMed 15241677 (cited by 3 submitters); PubMed 14722929 (cited by Athena Diagnostics and Laboratory for Molecular Medicine, Mass General Brigham Personalized Medicine); PubMed 12746422 (cited by 3 submitters); PubMed 14643477 (cited by Athena Diagnostics and Laboratory for Molecular Medicine, Mass General Brigham Personalized Medicine); PubMed 15070423 (cited by Athena Diagnostics and Laboratory for Molecular Medicine, Mass General Brigham Personalized Medicine); PubMed 11556849 (cited by Athena Diagnostics and Laboratory for Molecular Medicine, Mass General Brigham Personalized Medicine); PubMed 17253936 (cited by Athena Diagnostics and Laboratory for Molecular Medicine, Mass General Brigham Personalized Medicine); PubMed 15479191 (cited by Athena Diagnostics); PubMed 19465004 (cited by Athena Diagnostics); PubMed 15666300 (cited by Athena Diagnostics); PubMed 20234132 (cited by Athena Diagnostics); PubMed 15464308 (cited by Athena Diagnostics); PubMed 15656949 (cited by Athena Diagnostics); PubMed 15151513 (cited by Athena Diagnostics); PubMed 17553572 (cited by Athena Diagnostics); PubMed 15954104 (cited by Athena Diagnostics); PubMed 19371219 (cited by Athena Diagnostics); PubMed 26096904 (cited by Athena Diagnostics); PubMed 26778469 (cited by Athena Diagnostics); PubMed 24158611 (cited by Athena Diagnostics); PubMed 27224056 (cited by Athena Diagnostics); PubMed 26381000 (cited by Athena Diagnostics); PubMed 22567369 (cited by Athena Diagnostics); PubMed 29062245 (cited by Athena Diagnostics); PubMed 23668481 (cited by Athena Diagnostics); PubMed 19366456 (cited by Athena Diagnostics); PubMed 24793888 (cited by Athena Diagnostics); PubMed 16840571 (cited by Athena Diagnostics); PubMed 23073770 (cited by Athena Diagnostics); PubMed 20407643 (cited by Athena Diagnostics); PubMed 30989077 (cited by Athena Diagnostics); PubMed 15219044 (cited by Athena Diagnostics and Laboratory for Molecular Medicine, Mass General Brigham Personalized Medicine); PubMed 16076412 (cited by Athena Diagnostics and Laboratory for Molecular Medicine, Mass General Brigham Personalized Medicine); PubMed 14985372 (cited by Athena Diagnostics and Laboratory for Molecular Medicine, Mass General Brigham Personalized Medicine); PubMed 19072567 (cited by Athena Diagnostics and Laboratory for Molecular Medicine, Mass General Brigham Personalized Medicine); PubMed 15253766 (cited by Athena Diagnostics and Laboratory for Molecular Medicine, Mass General Brigham Personalized Medicine); PubMed 22613756 (cited by Athena Diagnostics); PubMed 22995991 (cited by Athena Diagnostics); PubMed 23638949 (cited by Athena Diagnostics); PubMed 25262649 (cited by Athena Diagnostics); PubMed 25388846 (cited by Athena Diagnostics); PubMed 27153395 (cited by Athena Diagnostics); PubMed 12851846 (cited by Laboratory for Molecular Medicine, Mass General Brigham Personalized Medicine).